The following continues an entry in ClinVar:

NM_032043.3(BRIP1):c.584T>C (p.Leu195Pro)

Gene: BRIP1. ClinVar aggregate classification (germline): Benign/Likely benign. Benign (12); Likely benign (9).

Submissions 25 to 30 of 30:

ITMI
No classification provided. Condition: AllHighlyPenetrant. Last evaluated: 2013-09-19. Review status: no classification provided. Collection method: reference population. Allele origin: germline. Not counted in ClinVar's aggregate classification.
Comment: Please see associated publication for description of ethnicities

Clinical Genetics DNA and cytogenetics Diagnostics Lab, Erasmus MC, Erasmus Medical Center
Classification: Likely benign. Review status: no assertion criteria provided. Collection method: clinical testing. Allele origin: germline. Affected: yes. Study: VKGL Data-share Consensus. Not counted in ClinVar's aggregate classification.

Clinical Genetics Laboratory, Department of Pathology, Netherlands Cancer Institute
Classification: Likely benign. Review status: no assertion criteria provided. Collection method: clinical testing. Allele origin: germline. Affected: yes. Study: VKGL Data-share Consensus. Not counted in ClinVar's aggregate classification.

Department of Pathology and Laboratory Medicine, Sinai Health System
Classification: Likely benign. Review status: no assertion criteria provided. Collection method: clinical testing. Allele origin: unknown. Affected: yes. Study: The Canadian Open Genetics Repository (COGR). Not counted in ClinVar's aggregate classification.
Comment: The BRIP1 p.Leu195Pro variant was identified in 21 of 13772 proband chromosomes (frequency: 0.002) from individuals or families with prostate cancer, breast cancer, ovarian cancer, and Lynch syndrome and was present in 19 of 21561 control chromosomes (frequency: 0.0009) from healthy individuals (Bodian 2014, Kote-Jarai 2009, Kuusisto 2011, Lewis 2005, Rafnar 2011, Ramus 2015, Ray 2009, Rutter 2003, Seal 2006, Yurgelun 2015). The variant was also identified in the following databases: dbSNP (ID: rs4988347) as "With Likely benign allele", ClinVar (4x benign, 3x likely benign), Clinvitae, and the Zhejiang Colon Cancer Database (6x, likely neutral). The variant was not identified in Cosmic or the MutDB database. The variant was identified in control databases in 537 of 277082 chromosomes (2 homozygous) at a frequency of 0.002 increasing the likelihood this could be a low frequency benign variant (Genome Aggregation Database Feb 27, 2017). It was observed in the following populations: African in 8 of 24028 chromosomes (freq: 0.0003), Other in 10 of 6464 chromosomes (freq: 0.002), Latino in 24 of 34414 chromosomes (freq: 0.0007), European in 255 of 126622 chromosomes (freq: 0.002), Finnish in 226 of 25772 chromosomes (freq: 0.009), and South Asian in 14 of 30782 chromosomes (freq: 0.0005). The variant was not observed in the Ashkenazi Jewish or East Asian populations. A study by Lewis 2005 utilizing in silico bioinformatic tools predicted this variant may affect mRNA folding and exonic splicing enhancers. However, the same study showed that the variant did not segregate with disease in a family with breast cancer (Lewis 2005). The p.Leu195 residue is not conserved in mammals and computational analyses (PolyPhen-2, SIFT, AlignGVGD, BLOSUM, MutationTaster) provide inconsistent predictions regarding the impact to the protein; this information is not very predictive of pathogenicity. The variant occurs outside of the splicing consensus sequence and in silico or computational prediction software programs (SpliceSiteFinder, MaxEntScan, NNSPLICE, GeneSplicer, HumanSpliceFinder) do not predict a difference in splicing. In summary, based on the above information the clinical significance of this variant cannot be determined with certainty at this time although we would lean towards a more benign role for this variant. This variant is classified as likely benign.

Genome Diagnostics Laboratory, Amsterdam University Medical Center
Classification: Likely benign. Review status: no assertion criteria provided. Collection method: clinical testing. Allele origin: germline. Affected: yes. Study: VKGL Data-share Consensus. Not counted in ClinVar's aggregate classification.

Joint Genome Diagnostic Labs from Nijmegen and Maastricht, Radboudumc and MUMC+
Classification: Likely benign. Review status: no assertion criteria provided. Collection method: clinical testing. Allele origin: germline. Affected: yes. Study: VKGL Data-share Consensus. Not counted in ClinVar's aggregate classification.

Literature cited by the submitters: PubMed 26315354 (cited by 3 submitters); PubMed 21964575 (cited by 3 submitters); PubMed 12872252 (cited by 3 submitters); PubMed 19935797 (cited by Quest Diagnostics Nichols Institute San Juan Capistrano and Women's Health and Genetics/Laboratory Corporation of America, LabCorp); PubMed 16280053 (cited by 3 submitters); PubMed 19127258 (cited by Quest Diagnostics Nichols Institute San Juan Capistrano and Women's Health and Genetics/Laboratory Corporation of America, LabCorp); PubMed 21356067 (cited by 3 submitters); PubMed 25980754 (cited by Quest Diagnostics Nichols Institute San Juan Capistrano); PubMed 24728327 (cited by Ambry Genetics and ITMI); PubMed 23555315 (cited by Women's Health and Genetics/Laboratory Corporation of America, LabCorp and Counsyl); PubMed 17033622 (cited by Women's Health and Genetics/Laboratory Corporation of America, LabCorp and Counsyl); PubMed 26207792 (cited by Counsyl); PubMed 26921362 (cited by Counsyl); PubMed 25186627 (cited by Counsyl).